The following is an entry in ClinVar:

NM_004260.4(RECQL4):c.2617C>G (p.Pro873Ala)

Gene: RECQL4 (RecQ like helicase 4; minus strand). Cytogenetic location: 8q24.3.
Variant type: single nucleotide variant.
Coding change: c.2617C>G on transcript NM_004260.4 (MANE Select); coding-DNA position 2617, C replaced by G.
Protein change: p.Pro873Ala; replaces proline 873 with alanine.
Molecular consequence: missense variant.
Genome position (GRCh38, 1-based): chr8:144,512,985, G>C on the plus strand (C>G on the coding strand, the complement: RECQL4 is on the minus strand). VCF-style: chr8-144512985-G-C. GRCh37 (hg19) VCF-style: chr8-145738368-G-C.
Other names: short protein forms P873A.
Identifiers: ClinVar variation 648822 (VCV000648822.7), dbSNP rs751230101, ClinGen allele CA4948167.

ClinVar aggregate classification (germline): Uncertain significance. Review status: criteria provided, multiple submitters, no conflicts (2 of 4 stars). 2 submissions from 2 submitters: Uncertain significance (2). Last evaluated 2025-11-10.

Conditions:
Hereditary cancer-predisposing syndrome. Also called: Hereditary Cancer Syndrome; Tumor predisposition; Neoplastic Syndromes, Hereditary; Hereditary neoplastic syndrome. Identifiers: Orphanet 140162, MedGen C0027672, MeSH D009386, MONDO:0015356.
Baller-Gerold syndrome (BGS). Also called: CRANIOSYNOSTOSIS WITH RADIAL DEFECTS. Identifiers: Orphanet 1225, MedGen C0265308, MONDO:0009039, OMIM 218600.

Allele frequency attached by ClinVar (database versions not stated): gnomAD exomes 0.00001; ExAC 0.00003.
gnomAD v4.1: 3 of 1,570,446 alleles (0.00019%); highest among the groups gnomAD compares: Middle Eastern, 0.017%; no homozygotes.

Submissions (2):

Labcorp Genetics (formerly Invitae), Labcorp
Classification: Uncertain significance for Baller-Gerold syndrome. Last evaluated: 2025-11-10. Review status: criteria provided, single submitter. Criteria: Invitae Variant Classification Sherloc (09022015). Collection method: clinical testing. Allele origin: germline.
Comment: This sequence change replaces proline, which is neutral and non-polar, with alanine, which is neutral and non-polar, at codon 873 of the RECQL4 protein (p.Pro873Ala). This variant is present in population databases (rs751230101, gnomAD 0.003%). This variant has not been reported in the literature in individuals affected with RECQL4-related conditions. ClinVar contains an entry for this variant (Variation ID: 648822). Experimental studies and prediction algorithms are not available or were not evaluated, and the functional significance of this variant is currently unknown. In summary, the available evidence is currently insufficient to determine the role of this variant in disease. Therefore, it has been classified as a Variant of Uncertain Significance.

Sema4
Classification: Uncertain significance for Hereditary cancer-predisposing syndrome. Last evaluated: 2022-03-02. Review status: criteria provided, single submitter. Criteria: Sema4 Curation Guidelines. Collection method: curation. Allele origin: germline.
Comment: The RECQL4 c.2617C>G (p.P873A) variant has not been reported in the literature to our knowledge. This variant was observed in 2/75716 chromosomes in the Non-Finnish European population according to the Genome Aggregation Database (PMID: 32461654), and has been reported in ClinVar (Variation ID: 648822). In silico tools suggest the impact of the variant on protein function is benign, though these predictions have not been confirmed by functional studies. The evidence is insufficient to meet ACMG/AMP criteria for classifying the variant as benign or pathogenic. Thus, the clinical significance of this variant is currently uncertain.